The following is an entry in ClinVar:

NM_022482.5(GZF1):c.446T>G (p.Val149Gly)

Gene: GZF1 (GDNF inducible zinc finger protein 1; plus strand). Cytogenetic location: 20p11.21.
Variant type: single nucleotide variant.
Coding change: c.446T>G on transcript NM_022482.5 (MANE Select); coding-DNA position 446, T replaced by G.
Protein change: p.Val149Gly; replaces valine 149 with glycine.
Molecular consequence: missense variant.
Genome position (GRCh38, 1-based): chr20:23,364,829, T>G. VCF-style: chr20-23364829-T-G. GRCh37 (hg19) VCF-style: chr20-23345466-T-G.
Other names: c.446T>G, p.Val149Gly (NM_001317012.2, NM_001317019.1); short protein forms V149G.
Identifiers: ClinVar variation 1386776 (VCV001386776.8), dbSNP rs774382390, ClinGen allele CA9788507.

ClinVar aggregate classification (germline): Uncertain significance (1 of 4 stars; one submission).

Allele frequency attached by ClinVar (database versions not stated): TOPMed below 0.00001; ExAC 0.00001; gnomAD exomes 0.00001.
gnomAD v4.1: 4 of 1,613,988 alleles (0.00025%); highest among the groups gnomAD compares: Non-Finnish European, 0.00034%; no homozygotes.

Submission:

Labcorp Genetics (formerly Invitae), Labcorp
Classification: Uncertain significance. Last evaluated: 2022-07-19. Review status: criteria provided, single submitter. Criteria: Invitae Variant Classification Sherloc (09022015). Collection method: clinical testing. Allele origin: germline.
Comment: In summary, the available evidence is currently insufficient to determine the role of this variant in disease. Therefore, it has been classified as a Variant of Uncertain Significance. Algorithms developed to predict the effect of missense changes on protein structure and function are either unavailable or do not agree on the potential impact of this missense change (SIFT: "Not Available"; PolyPhen-2: "Benign"; Align-GVGD: "Not Available"). ClinVar contains an entry for this variant (Variation ID: 1386776). This variant has not been reported in the literature in individuals affected with GZF1-related conditions. This variant is present in population databases (rs774382390, gnomAD 0.002%). This sequence change replaces valine with glycine at codon 149 of the GZF1 protein (p.Val149Gly). The valine residue is weakly conserved and there is a moderate physicochemical difference between valine and glycine.